The following is an entry in ClinVar:

NM_000156.6(GAMT):c.441C>A (p.His147Gln)

Gene: GAMT (guanidinoacetate N-methyltransferase; minus strand). Cytogenetic location: 19p13.3.
Variant type: single nucleotide variant.
Coding change: c.441C>A on transcript NM_000156.6 (MANE Select); coding-DNA position 441, C replaced by A.
Protein change: p.His147Gln; replaces histidine 147 with glutamine.
Molecular consequence: missense variant.
Genome position (GRCh38, 1-based): chr19:1,399,146, G>T on the plus strand (C>A on the coding strand, the complement: GAMT is on the minus strand). VCF-style: chr19-1399146-G-T. GRCh37 (hg19) VCF-style: chr19-1399145-G-T.
Other names: c.441C>A, p.His147Gln (NM_138924.3); short protein forms H147Q.
Identifiers: ClinVar variation 450331 (VCV000450331.7), dbSNP rs1555777047, ClinGen allele CA402995067.
Genomic context (GRCh38, chr19:1,399,146, plus strand): 5'-CCCCGAGGGCCTCCCGCATCCCAGCAAGTCAGAGAGAACCACCTTGATGAAGTTGAACTG[G>T]TGTGTGTGCCAGGTCTCCTCCGAGAGTGGGTACGTGTCGTACAGGATCCCTGCACGGAGA-3'
Protein context (NP_000147.1, residues 137-157): YPLSEETWHT[His147Gln]QFNFIKNHAF

ClinVar aggregate classification (germline): Uncertain significance. Review status: criteria provided, multiple submitters, no conflicts (2 of 4 stars). 2 submissions from 2 submitters: Uncertain significance (2). Last evaluated 2021-09-01.

Conditions:
Cerebral creatine deficiency syndrome. Also called: Creatine deficiency syndromes. Identifiers: Orphanet 79172, MedGen C5244016, MONDO:0000456.

Allele frequency attached by ClinVar (database versions not stated): gnomAD exomes below 0.00001.
gnomAD v4.1: 3 of 1,613,764 alleles (0.00019%); highest among the groups gnomAD compares: Non-Finnish European, 0.00017%; no homozygotes.

Submissions (2):

Labcorp Genetics (formerly Invitae), Labcorp
Classification: Uncertain significance for Cerebral creatine deficiency syndrome. Last evaluated: 2021-09-01. Review status: criteria provided, single submitter. Criteria: Invitae Variant Classification Sherloc (09022015). Collection method: clinical testing. Allele origin: germline.
Comment: This sequence change replaces histidine with glutamine at codon 147 of the GAMT protein (p.His147Gln). The histidine residue is highly conserved and there is a small physicochemical difference between histidine and glutamine. This variant is not present in population databases (ExAC no frequency). This variant has not been reported in the literature in individuals affected with GAMT-related conditions. Algorithms developed to predict the effect of missense changes on protein structure and function are either unavailable or do not agree on the potential impact of this missense change (SIFT: "Deleterious"; PolyPhen-2: "Probably Damaging"; Align-GVGD: "Class C0"). In summary, the available evidence is currently insufficient to determine the role of this variant in disease. Therefore, it has been classified as a Variant of Uncertain Significance.

GeneDx
Classification: Uncertain significance. Last evaluated: 2017-07-11. Review status: criteria provided, single submitter. Criteria: GeneDx Variant Classification (06012015). Collection method: clinical testing. Allele origin: germline. Affected: yes.
Comment: A variant of uncertain significance has been identified in the GAMT gene. The H147Q variant has not been published as a pathogenic variant, nor has it been reported as a benign variant to our knowledge. A different missense substitution at this position (H147Y) has been reported previously in an individual with GAMT deficiency who was compound heterozygous for H147Y and a second GAMT variant; functional studies indicate H147Y significantly impairs enzyme activity (Mercimek-Mahmutoglu et al., 2014). The H147Q variant is not observed in large population cohorts (Lek et al., 2016; 1000 Genomes Consortium et al., 2015; Exome Variant Server). The H147Q variant is a semi-conservative amino acid substitution, which may impact secondary protein structure as these residues differ in some properties. Additionally, this substitution occurs at a position that is conserved across species, and in silico analysis predicts this variant is probably damaging to the protein structure/function. Based on the currently available information, it is unclear whether this variant is a pathogenic variant or a rare benign variant.